The following is an entry in ClinVar:

ClinVar aggregate classification (germline): Uncertain significance (1 of 4 stars; one submission).

Conditions:
Tuberous sclerosis 2 (TSC2). Identifiers: Orphanet 805, MedGen C1860707, MONDO:0013199, OMIM 613254.

Submission:

Labcorp Genetics (formerly Invitae), Labcorp
Classification: Uncertain significance for Tuberous sclerosis 2. Last evaluated: 2024-07-25. Review status: criteria provided, single submitter. Criteria: Invitae Variant Classification Sherloc (09022015). Collection method: clinical testing. Allele origin: germline.
Comment: This sequence change replaces arginine, which is basic and polar, with threonine, which is neutral and polar, at codon 852 of the TSC2 protein (p.Arg852Thr). This variant is not present in population databases (gnomAD no frequency). This variant has not been reported in the literature in individuals affected with TSC2-related conditions. Advanced modeling of protein sequence and biophysical properties (such as structural, functional, and spatial information, amino acid conservation, physicochemical variation, residue mobility, and thermodynamic stability) performed at Invitae indicates that this missense variant is not expected to disrupt TSC2 protein function with a negative predictive value of 95%. In summary, the available evidence is currently insufficient to determine the role of this variant in disease. Therefore, it has been classified as a Variant of Uncertain Significance.

NM_000548.5(TSC2):c.2555G>C (p.Arg852Thr)

Gene: TSC2 (TSC complex subunit 2; plus strand). Cytogenetic location: 16p13.3.
Variant type: single nucleotide variant.
Coding change: c.2555G>C on transcript NM_000548.5 (MANE Select); coding-DNA position 2555, G replaced by C.
Protein change: p.Arg852Thr; replaces arginine 852 with threonine.
Molecular consequence: missense variant. On other transcripts: non-coding transcript variant (5).
Genome position (GRCh38, 1-based): chr16:2,075,808, G>C. VCF-style: chr16-2075808-G-C. GRCh37 (hg19) VCF-style: chr16-2125809-G-C.
Other names: c.1211G>C, p.Arg404Thr (NM_001406697.1, NM_001406689.1, NM_001406690.1 and 6 more transcripts); c.953G>C, p.Arg318Thr (NM_001406698.1); c.2555G>C, p.Arg852Thr (NM_021055.3, NM_001077183.3, NM_001114382.3 and 6 more transcripts); c.2444G>C, p.Arg815Thr (NM_001318827.2, NM_001406670.1, NM_001406678.1); c.2408G>C, p.Arg803Thr (NM_001318829.2, NM_001406675.1, NM_001406676.1 and 1 more transcripts); c.1955G>C, p.Arg652Thr (NM_001318831.2, NM_001406686.1, NM_001406687.1 and 6 more transcripts); c.2588G>C, p.Arg863Thr (NM_001318832.2); c.2645G>C, p.Arg882Thr (NM_001406667.1, NM_001406668.1); and 3 more; short protein forms R652T, R803T, R882T, R318T, R404T, R815T, R852T, R833T.
Identifiers: ClinVar variation 3671122 (VCV003671122.2).